The following is an entry in ClinVar:

ClinVar aggregate classification (germline): Pathogenic (1 of 4 stars; one submission).

Conditions:
Congenital disorder of deglycosylation (CDDG). Identifiers: MedGen C3808991, MONDO:0031376.

Submission:

Women's Health and Genetics/Laboratory Corporation of America, LabCorp
Classification: Pathogenic for Congenital disorder of deglycosylation. Last evaluated: 2023-05-15. Review status: criteria provided, single submitter. Criteria: LabCorp Variant Classification Summary - May 2015. Collection method: clinical testing. Allele origin: germline.
Comment: Variant summary: NGLY1 c.376C>T (p.Gln126X) results in a premature termination codon, predicted to cause a truncation of the encoded protein or absence of the protein due to nonsense mediated decay, which are commonly known mechanisms for disease. Variants downstream of this position have been classified as pathogenic by our laboratory. The variant was absent in 251378 control chromosomes. To our knowledge, no occurrence of c.376C>T in individuals affected with Congenital Disorder Of Deglycosylation and no experimental evidence demonstrating its impact on protein function have been reported. No clinical diagnostic laboratories have submitted clinical-significance assessments for this variant to ClinVar after 2014. Based on the evidence outlined above, the variant was classified as pathogenic.

NM_018297.4(NGLY1):c.376C>T (p.Gln126Ter)

Gene: NGLY1 (N-glycanase 1; minus strand). Cytogenetic location: 3p24.2.
Variant type: single nucleotide variant.
Coding change: c.376C>T on transcript NM_018297.4 (MANE Select); coding-DNA position 376, C replaced by T.
Protein change: p.Gln126Ter; replaces glutamine 126 with a stop codon.
Molecular consequence: nonsense.
Genome position (GRCh38, 1-based): chr3:25,764,182, G>A on the plus strand (C>T on the coding strand, the complement: NGLY1 is on the minus strand). VCF-style: chr3-25764182-G-A. GRCh37 (hg19) VCF-style: chr3-25805673-G-A.
Other names: c.376C>T, p.Gln126Ter (NM_001145293.2, NM_001145295.2); c.250C>T, p.Gln84Ter (NM_001145294.2); short protein forms Q126*, Q84*.
Identifiers: ClinVar variation 2506033 (VCV002506033.1), dbSNP rs2470674668, ClinGen allele CA351909023.